The following is an entry in ClinVar:

ClinVar aggregate classification (germline): Uncertain significance (1 of 4 stars; one submission).

Allele frequency attached by ClinVar (database versions not stated): ExAC 0.00001; gnomAD 0.00002; TOPMed 0.00002; gnomAD exomes 0.00003.
gnomAD v4.1: 43 of 1,614,072 alleles (0.0027%); highest among the groups gnomAD compares: Non-Finnish European, 0.0036%; no homozygotes.

Submission:

Labcorp Genetics (formerly Invitae), Labcorp
Classification: Uncertain significance. Last evaluated: 2022-05-22. Review status: criteria provided, single submitter. Criteria: Invitae Variant Classification Sherloc (09022015). Collection method: clinical testing. Allele origin: germline.
Comment: This sequence change replaces isoleucine, which is neutral and non-polar, with methionine, which is neutral and non-polar, at codon 346 of the EIF2B3 protein (p.Ile346Met). This variant is present in population databases (rs765959337, gnomAD 0.003%). This variant has not been reported in the literature in individuals affected with EIF2B3-related conditions. Algorithms developed to predict the effect of missense changes on protein structure and function (SIFT, PolyPhen-2, Align-GVGD) all suggest that this variant is likely to be tolerated. This variant disrupts the p.Ile346 amino acid residue in EIF2B3. Other variant(s) that disrupt this residue have been determined to be pathogenic (PMID: 19158808, 25761052). This suggests that this residue is clinically significant, and that variants that disrupt this residue are likely to be disease-causing. In summary, the available evidence is currently insufficient to determine the role of this variant in disease. Therefore, it has been classified as a Variant of Uncertain Significance.

Literature cited by the submitters: PubMed 19158808; PubMed 25761052.

NM_020365.5(EIF2B3):c.1038T>G (p.Ile346Met)

Gene: EIF2B3 (eukaryotic translation initiation factor 2B subunit gamma; minus strand). Cytogenetic location: 1p34.1.
Variant type: single nucleotide variant.
Coding change: c.1038T>G on transcript NM_020365.5 (MANE Select); coding-DNA position 1038, T replaced by G.
Protein change: p.Ile346Met; replaces isoleucine 346 with methionine.
Molecular consequence: missense variant.
Genome position (GRCh38, 1-based): chr1:44,875,633, A>C on the plus strand (T>G on the coding strand, the complement: EIF2B3 is on the minus strand). VCF-style: chr1-44875633-A-C. GRCh37 (hg19) VCF-style: chr1-45341305-A-C.
Other names: c.1038T>G, p.Ile346Met (NM_001166588.3, NM_001261418.2); short protein forms I346M.
Identifiers: ClinVar variation 1913645 (VCV001913645.2), dbSNP rs765959337, ClinGen allele CA823857.